The following is an entry in ClinVar:

ClinVar aggregate classification (germline): Likely benign. Review status: criteria provided, multiple submitters, no conflicts (2 of 4 stars). 3 submissions from 3 submitters: Likely benign (2). 1 of the submissions does not count toward it. Last evaluated 2024-01-01.

Conditions:
CUX2-related disorder. Also called: CUX2-related condition.

Allele frequency attached by ClinVar (database versions not stated): gnomAD exomes 0.00002; ExAC 0.00004; TOPMed 0.00013; gnomAD 0.00016; ESP Exome Variant Server 0.00017.
gnomAD v4.1: 59 of 1,613,998 alleles (0.0037%); highest among the groups gnomAD compares: African/African-American, 0.043%; no homozygotes.

Submissions (3):

CeGaT Center for Human Genetics Tuebingen
Classification: Likely benign. Last evaluated: 2024-01-01. Review status: criteria provided, single submitter. Criteria: CeGaT Center For Human Genetics Tuebingen Variant Classification Criteria Version 2. Collection method: clinical testing. Allele origin: germline. Affected: yes. Observed: 1 variant allele.
Comment: CUX2: BS1

Blueprint Genetics
Classification: Likely benign. Last evaluated: 2022-07-27. Review status: criteria provided, single submitter. Criteria: ACMG Guidelines, 2015. Collection method: clinical testing. Allele origin: germline.

PreventionGenetics, part of Exact Sciences
Classification: Likely benign for CUX2-related condition. Last evaluated: 2024-03-12. Review status: no assertion criteria provided. Collection method: clinical testing. Allele origin: germline. Not counted in ClinVar's aggregate classification.
Comment: This variant is classified as likely benign based on ACMG/AMP sequence variant interpretation guidelines (Richards et al. 2015 PMID: 25741868, with internal and published modifications).

NM_015267.4(CUX2):c.254C>T (p.Ala85Val)

Gene: CUX2 (cut like homeobox 2; plus strand). Cytogenetic location: 12q24.11.
Variant type: single nucleotide variant.
Coding change: c.254C>T on transcript NM_015267.4 (MANE Select); coding-DNA position 254, C replaced by T.
Protein change: p.Ala85Val; replaces alanine 85 with valine.
Molecular consequence: missense variant.
Genome position (GRCh38, 1-based): chr12:111,263,792, C>T. VCF-style: chr12-111263792-C-T. GRCh37 (hg19) VCF-style: chr12-111701596-C-T.
Other names: c.68C>T, p.Ala23Val (NM_001370598.1); c.254C>T (NM_015267.3); short protein forms A23V, A85V.
Identifiers: ClinVar variation 3026003 (VCV003026003.23), dbSNP rs376298955, ClinGen allele CA6788288.